The following is an entry in ClinVar:

NM_080552.3(SLC32A1):c.410T>C (p.Leu137Pro)

Gene: SLC32A1 (solute carrier family 32 member 1; plus strand). Cytogenetic location: 20q11.23.
Variant type: single nucleotide variant.
Coding change: c.410T>C on transcript NM_080552.3 (MANE Select); coding-DNA position 410, T replaced by C.
Protein change: p.Leu137Pro; replaces leucine 137 with proline.
Molecular consequence: missense variant.
Genome position (GRCh38, 1-based): chr20:38,727,471, T>C. VCF-style: chr20-38727471-T-C. GRCh37 (hg19) VCF-style: chr20-37356114-T-C.
Other names: short protein forms L137P.
Identifiers: ClinVar variation 3774763 (VCV003774763.1).

ClinVar aggregate classification (germline): Uncertain significance (1 of 4 stars; one submission).

Submission:

GeneDx
Classification: Uncertain significance. Last evaluated: 2024-09-26. Review status: criteria provided, single submitter. Criteria: GeneDx Variant Classification Process June 2021. Collection method: clinical testing. Allele origin: germline. Affected: yes.
Comment: Not observed at significant frequency in large population cohorts (gnomAD); In silico analysis supports that this missense variant has a deleterious effect on protein structure/function; Has not been previously published as pathogenic or benign to our knowledge